The following is an entry in ClinVar:

ClinVar aggregate classification (germline): Likely pathogenic (1 of 4 stars; one submission).

Conditions:
Nephronophthisis. Also called: Juvenile Nephronophthisis. Identifiers: Orphanet 655, MedGen C0687120, MONDO:0019005, HP:0000090.

Submission:

Labcorp Genetics (formerly Invitae), Labcorp
Classification: Likely pathogenic for Nephronophthisis. Last evaluated: 2023-08-09. Review status: criteria provided, single submitter. Criteria: Invitae Variant Classification Sherloc (09022015). Collection method: clinical testing. Allele origin: unknown.
Comment: This variant is a gross deletion of the genomic region encompassing exon(s) 15-16 of the INVS gene. While this deletion is not anticipated to lead to nonsense mediated decay, it is expected to disrupt the C-terminus of the protein. A similar copy number variant has been observed in individual(s) with clinical features of nephronophthisis (Invitae). In at least one individual the data is consistent with being in trans (on the opposite chromosome) from a pathogenic variant. Experimental studies and prediction algorithms are not available or were not evaluated, and the functional significance of this variant is currently unknown. In summary, the currently available evidence indicates that the variant is pathogenic, but additional data are needed to prove that conclusively. Therefore, this variant has been classified as Likely Pathogenic.

NC_000009.11:g.(?_103059179)_(103060312_?)del

Gene: INVS (inversin; plus strand). Cytogenetic location: 9q31.1.
Variant type: Deletion.
Identifiers: ClinVar variation 3245132 (VCV003245132.1).